The following is an entry in ClinVar:

ClinVar aggregate classification (germline): Uncertain significance (1 of 4 stars; one submission).

Conditions:
Ataxia-telangiectasia syndrome (AT). Also called: Cerebello-oculocutaneous telangiectasia; ATAXIA-TELANGIECTASIA, COMPLEMENTATION GROUP A; ATAXIA-TELANGIECTASIA, FRESNO VARIANT; Ataxia-telangiectasia, complementation group D; AT, COMPLEMENTATION GROUP C; Immunodeficiency with ataxia telangiectasia. Identifiers: Orphanet 100, MedGen C0004135, MONDO:0008840, OMIM 208900.

Submission:

Labcorp Genetics (formerly Invitae), Labcorp
Classification: Uncertain significance for Ataxia-telangiectasia syndrome. Last evaluated: 2022-08-22. Review status: criteria provided, single submitter. Criteria: Invitae Variant Classification Sherloc (09022015). Collection method: clinical testing. Allele origin: germline.
Comment: In summary, the available evidence is currently insufficient to determine the role of this variant in disease. Therefore, it has been classified as a Variant of Uncertain Significance. Advanced modeling of protein sequence and biophysical properties (such as structural, functional, and spatial information, amino acid conservation, physicochemical variation, residue mobility, and thermodynamic stability) performed at Invitae indicates that this missense variant is not expected to disrupt ATM protein function. This variant has not been reported in the literature in individuals affected with ATM-related conditions. This variant is not present in population databases (gnomAD no frequency). This sequence change replaces valine, which is neutral and non-polar, with leucine, which is neutral and non-polar, at codon 128 of the ATM protein (p.Val128Leu).

NM_000051.4(ATM):c.382G>T (p.Val128Leu)

Gene: ATM (ATM serine/threonine kinase; plus strand). Cytogenetic location: 11q22.3.
Variant type: single nucleotide variant.
Coding change: c.382G>T on transcript NM_000051.4 (MANE Select); coding-DNA position 382, G replaced by T.
Protein change: p.Val128Leu; replaces valine 128 with leucine.
Molecular consequence: missense variant.
Genome position (GRCh38, 1-based): chr11:108,235,720, G>T. VCF-style: chr11-108235720-G-T. GRCh37 (hg19) VCF-style: chr11-108106447-G-T.
Other names: c.382G>T, p.Val128Leu (NM_001351834.2); short protein forms V128L.
Identifiers: ClinVar variation 1717800 (VCV001717800.5), dbSNP rs587779835, ClinGen allele CA382524819.
Genomic context (GRCh38, chr11:108,235,720, plus strand): 5'-TTTGAAATAGGAGCACCTAGGCTAAAATGTCAAGAACTCTTAAATTATATCATGGATACA[G>T]TGAAAGATTCATCTAATGGTGCTATTTACGGAGCTGATTGTAGCAACATACTACTCAAAG-3'
Protein context (NP_000042.3, residues 118-138): QELLNYIMDT[Val128Leu]KDSSNGAIYG